The following is an entry in ClinVar:

ClinVar aggregate classification (germline): Uncertain significance (1 of 4 stars; one submission).

Submission:

GeneDx
Classification: Uncertain significance. Last evaluated: 2025-07-15. Review status: criteria provided, single submitter. Criteria: GeneDx Variant Classification Process June 2021. Collection method: clinical testing. Allele origin: germline. Affected: yes.
Comment: Not observed at significant frequency in large population cohorts (gnomAD); In silico analysis suggests that this missense variant does not alter protein structure/function; Has not been previously published as pathogenic or benign to our knowledge

NM_018136.5(ASPM):c.599T>C (p.Met200Thr)

Gene: ASPM (assembly factor for spindle microtubules; minus strand). Cytogenetic location: 1q31.3.
Variant type: single nucleotide variant.
Coding change: c.599T>C on transcript NM_018136.5 (MANE Select); coding-DNA position 599, T replaced by C.
Protein change: p.Met200Thr; replaces methionine 200 with threonine.
Molecular consequence: missense variant.
Genome position (GRCh38, 1-based): chr1:197,143,653, A>G on the plus strand (T>C on the coding strand, the complement: ASPM is on the minus strand). VCF-style: chr1-197143653-A-G. GRCh37 (hg19) VCF-style: chr1-197112783-A-G.
Other names: c.599T>C, p.Met200Thr (NM_001206846.2); short protein forms M200T.
Identifiers: ClinVar variation 4686248 (VCV004686248.1).